The following is an entry in ClinVar:

NM_176787.5(PIGN):c.2405G>A (p.Gly802Glu)

Gene: PIGN (phosphatidylinositol glycan anchor biosynthesis class N; minus strand). Cytogenetic location: 18q21.33.
Variant type: single nucleotide variant.
Coding change: c.2405G>A on transcript NM_176787.5 (MANE Select); coding-DNA position 2405, G replaced by A.
Protein change: p.Gly802Glu; replaces glycine 802 with glutamic acid.
Molecular consequence: missense variant.
Genome position (GRCh38, 1-based): chr18:62,085,230, C>T on the plus strand (G>A on the coding strand, the complement: PIGN is on the minus strand). VCF-style: chr18-62085230-C-T. GRCh37 (hg19) VCF-style: chr18-59752463-C-T.
Other names: c.2405G>A, p.Gly802Glu (NM_012327.6); short protein forms G802E.
Identifiers: ClinVar variation 1355702 (VCV001355702.6), dbSNP rs2145961934, ClinGen allele CA402601563.
Genomic context (GRCh38, chr18:62,085,230, plus strand): 5'-TTTTAGTTATATATATATGCCACTTTCATTTAAAATTACCTGTTAATAGAAGCTATATTT[C>T]CAGTTCCAAAAAATGCTGTCACTAAGAAGAAAACCTAAAGGGAGTCAAGGAAATGGCAAA-3'
Protein context (NP_789744.1, residues 792-812): FFLVTAFFGT[Gly802Glu]NIASINSFDL

ClinVar aggregate classification (germline): Uncertain significance (1 of 4 stars; one submission).

Conditions:
Multiple congenital anomalies-hypotonia-seizures syndrome 1 (MCAHS1). Also called: PIGN-CDG; Congenital disorder of glycosylation due to PIGN deficiency; GLYCOSYLPHOSPHATIDYLINOSITOL BIOSYNTHESIS DEFECT 3. Identifiers: Orphanet 280633, MedGen C3279775, MONDO:0013563, OMIM 614080.

Submission:

Labcorp Genetics (formerly Invitae), Labcorp
Classification: Uncertain significance for Multiple congenital anomalies-hypotonia-seizures syndrome 1. Last evaluated: 2023-07-14. Review status: criteria provided, single submitter. Criteria: Invitae Variant Classification Sherloc (09022015). Collection method: clinical testing. Allele origin: germline.
Comment: This variant has not been reported in the literature in individuals affected with PIGN-related conditions. This variant is not present in population databases (gnomAD no frequency). This sequence change replaces glycine, which is neutral and non-polar, with glutamic acid, which is acidic and polar, at codon 802 of the PIGN protein (p.Gly802Glu). ClinVar contains an entry for this variant (Variation ID: 1355702). In summary, the available evidence is currently insufficient to determine the role of this variant in disease. Therefore, it has been classified as a Variant of Uncertain Significance. Algorithms developed to predict the effect of sequence changes on RNA splicing suggest that this variant may disrupt the consensus splice site. Advanced modeling of protein sequence and biophysical properties (such as structural, functional, and spatial information, amino acid conservation, physicochemical variation, residue mobility, and thermodynamic stability) performed at Invitae indicates that this missense variant is expected to disrupt PIGN protein function.